The following is an entry in ClinVar:

NM_152594.3(SPRED1):c.1313G>A (p.Gly438Glu)

Gene: SPRED1 (sprouty related EVH1 domain containing 1; plus strand). Cytogenetic location: 15q14.
Variant type: single nucleotide variant.
Coding change: c.1313G>A on transcript NM_152594.3 (MANE Select); coding-DNA position 1313, G replaced by A.
Protein change: p.Gly438Glu; replaces glycine 438 with glutamic acid.
Molecular consequence: missense variant.
Genome position (GRCh38, 1-based): chr15:38,351,642, G>A. VCF-style: chr15-38351642-G-A. GRCh37 (hg19) VCF-style: chr15-38643843-G-A.
Other names: short protein forms G438E.
Identifiers: ClinVar variation 3448796 (VCV003448796.3).

ClinVar aggregate classification (germline): Uncertain significance. Review status: criteria provided, multiple submitters, no conflicts (2 of 4 stars). 2 submissions from 2 submitters: Uncertain significance (2). Last evaluated 2025-09-09.

Conditions:
Cardiovascular phenotype. Identifiers: MedGen CN230736.
Legius syndrome. Identifiers: Orphanet 137605, MedGen C1969623, MONDO:0012669, OMIM 611431. Disease mechanism: loss of function.

gnomAD v4.1: 2 of 1,613,370 alleles (0.00012%); highest among the groups gnomAD compares: Non-Finnish European, 0.000085%; no homozygotes.

Submissions (2):

Ambry Genetics
Classification: Uncertain significance for Cardiovascular phenotype. Last evaluated: 2025-09-09. Review status: criteria provided, single submitter. Criteria: Ambry Variant Classification Scheme 2023. Collection method: clinical testing. Allele origin: germline.

Labcorp Genetics (formerly Invitae), Labcorp
Classification: Uncertain significance for Legius syndrome. Last evaluated: 2025-05-14. Review status: criteria provided, single submitter. Criteria: Invitae Variant Classification Sherloc (09022015). Collection method: clinical testing. Allele origin: germline.
Comment: This sequence change replaces glycine, which is neutral and non-polar, with glutamic acid, which is acidic and polar, at codon 438 of the SPRED1 protein (p.Gly438Glu). This variant is not present in population databases (gnomAD no frequency). This variant has not been reported in the literature in individuals affected with SPRED1-related conditions. ClinVar contains an entry for this variant (Variation ID: 3448796). Invitae Evidence Modeling of protein sequence and biophysical properties (such as structural, functional, and spatial information, amino acid conservation, physicochemical variation, residue mobility, and thermodynamic stability) indicates that this missense variant is expected to disrupt SPRED1 protein function with a positive predictive value of 80%. In summary, the available evidence is currently insufficient to determine the role of this variant in disease. Therefore, it has been classified as a Variant of Uncertain Significance.